The following is an entry in ClinVar:

ClinVar aggregate classification (germline): Uncertain significance. Review status: criteria provided, multiple submitters, no conflicts (2 of 4 stars). 2 submissions from 2 submitters: Uncertain significance (2). Last evaluated 2023-06-02.

Conditions:
Intellectual developmental disorder, autosomal dominant 54. Also called: MENTAL RETARDATION, AUTOSOMAL DOMINANT 54; Intellectual disability, autosomal dominant 54. Identifiers: MedGen C4540484, MONDO:0030920, OMIM 617799.

Submissions (2):

Labcorp Genetics (formerly Invitae), Labcorp
Classification: Uncertain significance. Last evaluated: 2023-06-02. Review status: criteria provided, single submitter. Criteria: Invitae Variant Classification Sherloc (09022015). Collection method: clinical testing. Allele origin: germline.
Comment: This sequence change creates a premature translational stop signal (p.Pro437Argfs*18) in the CAMK2B gene. It is expected to result in an absent or disrupted protein product. However, the current clinical and genetic evidence is not sufficient to establish whether loss-of-function variants in CAMK2B cause disease. This variant is not present in population databases (gnomAD no frequency). This variant has not been reported in the literature in individuals affected with CAMK2B-related conditions. ClinVar contains an entry for this variant (Variation ID: 1805456). In summary, the available evidence is currently insufficient to determine the role of this variant in disease. Therefore, it has been classified as a Variant of Uncertain Significance.

Victorian Clinical Genetics Services, Murdoch Childrens Research Institute
Classification: Uncertain significance for Intellectual developmental disorder, autosomal dominant 54. Last evaluated: 2022-03-31. Review status: criteria provided, single submitter. Criteria: ACMG Guidelines, 2015. Collection method: clinical testing. Allele origin: germline. Inheritance: Autosomal dominant inheritance. Affected: yes.
Comment: Based on the classification scheme VCGS_Germline_v1.3.4, this variant is classified as VUS-3A. Following criteria are met: 0103 - Loss of function (LoF) and gain of function (GoF) are mechanisms of disease in this gene and are associated with CAMK2B-related intellectual disability 54 (MIM#617799). GoF is a common disease mechanism for majority of missense mutations while one missense and other nonsense mutations exerted LoF effect (PMID: 29100089). (I) 0107 - This gene is associated with autosomal dominant disease. (I) 0201 - Variant is predicted to cause nonsense-mediated decay (NMD) and loss of protein (premature termination codon is located at least 54 nucleotides upstream of the final exon-exon junction). (SP) 0219 - This variant is non-coding in an alternative transcript. This variant is coding in the ClinVar predominant and MANE select transcript which is also the longest transcript, however the exon it is located in is not coding in any other transcript and there are no previously pathogenic variants in ClinVar located in this exon. (I) 0251 - This variant is heterozygous. (I) 0301 - Variant is absent from gnomAD (both v2 and v3). (SP) 0708 - Other NMD predicted variants comparable to the one identified in this case have conflicting previous evidence for pathogenicity. One has been classified as likely benign and another has been classified as a VUS by a clinical laboratory in ClinVar with no evidence provided for these classifications, while another has been classified as likely pathogenic and was inherited from a similarly affected parent (DECIPHER). (I) 0807 - This variant has no previous evidence of pathogenicity. (I) 0905 - No published segregation evidence has been identified for this variant. (I) 1007 - No published functional evidence has been identified for this variant. (I) 1208 - Inheritance information for this variant is not currently available in this individual. (I) Legend: (SP) - Supporting pathogenic, (I) - Information, (SB) - Supporting benign

Literature cited by the submitters: PubMed 29100089 (cited by Victorian Clinical Genetics Services, Murdoch Childrens Research Institute).

NM_001220.5(CAMK2B):c.1310del (p.Pro437fs)

Gene: CAMK2B (calcium/calmodulin dependent protein kinase II beta; minus strand). Cytogenetic location: 7p13.
Variant type: Deletion.
Coding change: c.1310del on transcript NM_001220.5 (MANE Select); coding-DNA position 1310, one base deleted (C; older notation c.1310delC).
Protein change: p.Pro437fs; shifts the reading frame from proline 437.
Molecular consequence: frameshift variant. On other transcripts: intron variant (8).
Genome position (GRCh38, 1-based): chr7:44,229,417, G deleted on the plus strand (C on the coding strand, the reverse complement: CAMK2B is on the minus strand); the first of 2 consecutive G bases (chr7:44,229,417-44,229,418); deleting either gives the same sequence. VCF-style (leftmost placement, unchanged base first): chr7-44229416-CG-C. GRCh37 (hg19) VCF-style: chr7-44269015-CG-C.
Other names: c.947-8516del (NM_172084.3); c.1150+1589del (NM_172080.3); c.1036+1589del (NM_172083.3); c.1108+1589del (NM_172081.3); c.1153+1589del (NM_172079.3, NM_172082.3); c.1225+1589del (NM_001293170.2, NM_172078.3); short protein forms P437fs.
Identifiers: ClinVar variation 1805456 (VCV001805456.5), dbSNP rs2485421119, ClinGen allele CA2573102956.
Genomic context (GRCh38, chr7:44,229,416, plus strand): 5'-ACCCCCACAGCAGCAGGACCCAGGCTACTTACATGGGGCTGGCAGGGGGCTAAAGGGAGC[CG>C]GAGATGGGCAGGGCAGGGGCCCCTCGGCTTCTGGGGCTCCCGAGCCCCTCCTCACTGAGC-3'